The following is an entry in ClinVar:

NM_058216.3(RAD51C):c.248A>C (p.Lys83Thr)

Gene: RAD51C (RAD51 paralog C; plus strand). Cytogenetic location: 17q22.
Variant type: single nucleotide variant.
Coding change: c.248A>C on transcript NM_058216.3 (MANE Select); coding-DNA position 248, A replaced by C.
Protein change: p.Lys83Thr; replaces lysine 83 with threonine.
Molecular consequence: missense variant. On other transcripts: non-coding transcript variant (2).
Genome position (GRCh38, 1-based): chr17:58,695,033, A>C. VCF-style: chr17-58695033-A-C. GRCh37 (hg19) VCF-style: chr17-56772394-A-C.
Other names: c.248A>C, p.Lys83Thr (NM_002876.4); short protein forms K83T.
Identifiers: ClinVar variation 487199 (VCV000487199.18), dbSNP rs1333679774, ClinGen allele CA400340369.

ClinVar aggregate classification (germline): Conflicting classifications of pathogenicity. Review status: criteria provided, conflicting classifications (1 of 4 stars). 5 submissions from 5 submitters: Uncertain significance (4); Benign (1). Last evaluated 2025-11-17.

Conditions:
Hereditary cancer-predisposing syndrome. Also called: Tumor predisposition; Neoplastic Syndromes, Hereditary; Hereditary Cancer Syndrome; Hereditary neoplastic syndrome. Identifiers: Orphanet 140162, MedGen C0027672, MeSH D009386, MONDO:0015356.
Fanconi anemia complementation group O. Also called: RAD51C-Related Fanconi Anemia. Identifiers: Orphanet 84, MedGen C3150653, MONDO:0013248, OMIM 613390.

gnomAD v4.1: 1 of 1,614,136 alleles (0.000062%); highest among the groups gnomAD compares: Admixed American, 0.0017%; no homozygotes.

Submissions (5):

Labcorp Genetics (formerly Invitae), Labcorp
Classification: Uncertain significance for Fanconi anemia complementation group O. Last evaluated: 2025-11-17. Review status: criteria provided, single submitter. Criteria: Invitae Variant Classification Sherloc (09022015). Collection method: clinical testing. Allele origin: germline.
Comment: This sequence change replaces lysine, which is basic and polar, with threonine, which is neutral and polar, at codon 83 of the RAD51C protein (p.Lys83Thr). This variant is present in population databases (no rsID available, gnomAD 0.003%). This variant has not been reported in the literature in individuals affected with RAD51C-related conditions. ClinVar contains an entry for this variant (Variation ID: 487199). Invitae Evidence Modeling of protein sequence and biophysical properties (such as structural, functional, and spatial information, amino acid conservation, physicochemical variation, residue mobility, and thermodynamic stability) indicates that this missense variant is not expected to disrupt RAD51C protein function with a negative predictive value of 80%. In summary, the available evidence is currently insufficient to determine the role of this variant in disease. Therefore, it has been classified as a Variant of Uncertain Significance.

Ambry Genetics
Classification: Benign for Hereditary cancer-predisposing syndrome. Last evaluated: 2025-10-24. Review status: criteria provided, single submitter. Criteria: Ambry Variant Classification Scheme 2023. Collection method: clinical testing. Allele origin: germline.

Quest Diagnostics Nichols Institute San Juan Capistrano
Classification: Uncertain significance. Last evaluated: 2024-07-25. Review status: criteria provided, single submitter. Criteria: Quest Diagnostics criteria. Collection method: clinical testing. Allele origin: unknown.
Comment: The RAD51C c.248A>C (p.Lys83Thr) variant has not been reported in individuals with RAD51C-related conditions in the published literature. The frequency of this variant in the general population, 0.000004 (1/251458 chromosomes (Genome Aggregation Database)), is uninformative in the assessment of its pathogenicity. Analysis of this variant using bioinformatics tools for the prediction of the effect of amino acid changes on protein structure and function yielded predictions that this variant is benign. Based on the available information, we are unable to determine the clinical significance of this variant.

GeneDx
Classification: Uncertain significance. Last evaluated: 2019-10-24. Review status: criteria provided, single submitter. Criteria: GeneDx Variant Classification Process June 2021. Collection method: clinical testing. Allele origin: germline. Affected: yes.
Comment: Not observed at a significant frequency in large population cohorts (Lek 2016); In silico analysis, which includes protein predictors and evolutionary conservation, supports that this variant does not alter protein structure/function; Has not been previously published as pathogenic or benign to our knowledge

PreventionGenetics, part of Exact Sciences
Classification: Uncertain significance. Last evaluated: 2017-05-26. Review status: criteria provided, single submitter. Criteria: ACMG Guidelines, 2015. Collection method: clinical testing. Allele origin: germline.